The following is an entry in ClinVar:

ClinVar aggregate classification (germline): Uncertain significance (1 of 4 stars; one submission).

gnomAD v4.1: 1 of 1,613,440 alleles (0.000062%); highest among the groups gnomAD compares: Non-Finnish European, 0.000085%; no homozygotes.

Submission:

Labcorp Genetics (formerly Invitae), Labcorp
Classification: Uncertain significance. Last evaluated: 2024-07-29. Review status: criteria provided, single submitter. Criteria: Invitae Variant Classification Sherloc (09022015). Collection method: clinical testing. Allele origin: germline.
Comment: This sequence change replaces alanine, which is neutral and non-polar, with threonine, which is neutral and polar, at codon 1020 of the ADGRV1 protein (p.Ala1020Thr). This variant is not present in population databases (gnomAD no frequency). This variant has not been reported in the literature in individuals affected with ADGRV1-related conditions. ClinVar contains an entry for this variant (Variation ID: 1374432). Advanced modeling of protein sequence and biophysical properties (such as structural, functional, and spatial information, amino acid conservation, physicochemical variation, residue mobility, and thermodynamic stability) performed at Invitae indicates that this missense variant is not expected to disrupt ADGRV1 protein function with a negative predictive value of 95%. In summary, the available evidence is currently insufficient to determine the role of this variant in disease. Therefore, it has been classified as a Variant of Uncertain Significance.

NM_032119.4(ADGRV1):c.3058G>A (p.Ala1020Thr)

Gene: ADGRV1 (adhesion G protein-coupled receptor V1; plus strand). Cytogenetic location: 5q14.3.
Variant type: single nucleotide variant.
Coding change: c.3058G>A on transcript NM_032119.4 (MANE Select); coding-DNA position 3058, G replaced by A.
Protein change: p.Ala1020Thr; replaces alanine 1020 with threonine.
Molecular consequence: missense variant. On other transcripts: non-coding transcript variant (1).
Genome position (GRCh38, 1-based): chr5:90,647,533, G>A. VCF-style: chr5-90647533-G-A. GRCh37 (hg19) VCF-style: chr5-89943350-G-A.
Other names: short protein forms A1020T.
Identifiers: ClinVar variation 1374432 (VCV001374432.6), dbSNP rs2149446393, ClinGen allele CA360393035.